The following is an entry in ClinVar:

NM_003106.4(SOX2):c.-31C>T

Genes: SOX2-OT (SOX2 overlapping transcript; plus strand), SOX2 (SRY-box transcription factor 2; plus strand), LOC108281177 (SOX2 5' regulatory region; plus strand). Cytogenetic location: 3q26.33.
Variant type: single nucleotide variant.
Coding change: c.-31C>T on transcript NM_003106.4 (MANE Select); 31 bases upstream of the start codon, C replaced by T.
Molecular consequence: 5 prime UTR variant.
Genome position (GRCh38, 1-based): chr3:181,712,330, C>T. VCF-style: chr3-181712330-C-T. GRCh37 (hg19) VCF-style: chr3-181430118-C-T.
Identifiers: ClinVar variation 378636 (VCV000378636.1), dbSNP rs56073304, ClinGen allele CA2717219.

ClinVar aggregate classification (germline): Benign (1 of 4 stars; one submission).

Allele frequency attached by ClinVar (database versions not stated): 1000 Genomes Project 0.00339; gnomAD exomes 0.00363 and 0.00468; 1000 Genomes Project 30x 0.00375; TOPMed 0.00437; gnomAD 0.00456; ExAC 0.05769.

Submission:

GeneDx
Classification: Benign. Last evaluated: 2015-05-26. Review status: criteria provided, single submitter. Criteria: GeneDx Variant Classification (06012015). Collection method: clinical testing. Allele origin: germline. Affected: yes.
Comment: This variant is considered likely benign or benign based on one or more of the following criteria: it is a conservative change, it occurs at a poorly conserved position in the protein, it is predicted to be benign by multiple in silico algorithms, and/or has population frequency not consistent with disease.